The following is an entry in ClinVar:

NM_033380.3(COL4A5):c.1032+17del

Gene: COL4A5 (collagen type IV alpha 5 chain; plus strand). Cytogenetic location: Xq22.3.
Variant type: Deletion.
Coding change: c.1032+17del on transcript NM_033380.3 (MANE Select); 17 bases into the intron after coding-DNA position 1032, one base deleted (T; older notation c.1032+17delT).
Molecular consequence: intron variant.
Genome position (GRCh38, 1-based): chrX:108,584,542, T deleted; the last of 12 consecutive T bases (chrX:108,584,531-108,584,542); deleting any one gives the same sequence. VCF-style (leftmost placement, unchanged base first): chrX-108584530-GT-G. GRCh37 (hg19) VCF-style: chrX-107827760-GT-G.
Other names: p.?; c.1032+17del (NM_000495.5); c.1032+17delT (NM_000495.5, NM_033380.2).
Identifiers: ClinVar variation 439522 (VCV000439522.19), dbSNP rs761615270, ClinGen allele CA10488647.

ClinVar aggregate classification (germline): Benign/Likely benign. Review status: criteria provided, multiple submitters, no conflicts (2 of 4 stars). 5 submissions from 5 submitters: Benign (3); Likely benign (1). 1 of the submissions does not count toward it. Last evaluated 2026-01-27.

Conditions:
X-linked Alport syndrome (ATS1). Also called: NEPHROPATHY AND DEAFNESS, X-LINKED; COL4A5-Related Nephropathy. Identifiers: Orphanet 63, Orphanet 88917, MedGen C4746986, MONDO:0010520, OMIM 301050.

Submissions (5):

Labcorp Genetics (formerly Invitae), Labcorp
Classification: Benign. Last evaluated: 2026-01-27. Review status: criteria provided, single submitter. Criteria: Invitae Variant Classification Sherloc (09022015). Collection method: clinical testing. Allele origin: germline.

Mayo Clinic Laboratories, Mayo Clinic
Classification: Benign. Last evaluated: 2025-05-13. Review status: criteria provided, single submitter. Criteria: ACMG Guidelines, 2015. Collection method: clinical testing. Allele origin: germline. Observed: 2 variant alleles.
Comment: BA1, BS2, BP4, BP7

Fulgent Genetics
Classification: Likely benign for X-linked Alport syndrome. Last evaluated: 2021-09-09. Review status: criteria provided, single submitter. Criteria: ACMG Guidelines, 2015. Collection method: clinical testing. Allele origin: unknown.

ARUP Laboratories, Molecular Genetics and Genomics, ARUP Laboratories
Classification: Benign. Last evaluated: 2016-11-29. Review status: criteria provided, single submitter. Criteria: ARUP Molecular Germline Variant Investigation Process. Collection method: clinical testing. Allele origin: germline.

Natera, Inc.
Classification: Benign for X-linked Alport syndrome. Last evaluated: 2020-09-16. Review status: no assertion criteria provided. Collection method: clinical testing. Allele origin: germline. Not counted in ClinVar's aggregate classification.